The following is an entry in ClinVar:

NM_025074.7(FRAS1):c.2490C>G (p.Cys830Trp)

Gene: FRAS1 (Fraser extracellular matrix complex subunit 1; plus strand). Cytogenetic location: 4q21.21.
Variant type: single nucleotide variant.
Coding change: c.2490C>G on transcript NM_025074.7 (MANE Select); coding-DNA position 2490, C replaced by G.
Protein change: p.Cys830Trp; replaces cysteine 830 with tryptophan.
Molecular consequence: missense variant.
Genome position (GRCh38, 1-based): chr4:78,363,580, C>G. VCF-style: chr4-78363580-C-G. GRCh37 (hg19) VCF-style: chr4-79284734-C-G.
Other names: c.2490C>G, p.Cys830Trp (NM_001166133.2); short protein forms C830W.
Identifiers: ClinVar variation 424515 (VCV000424515.3), dbSNP rs1064797014, ClinGen allele CA16618056.

ClinVar aggregate classification (germline): Uncertain significance (1 of 4 stars; one submission).

Submission:

GeneDx
Classification: Uncertain significance. Last evaluated: 2026-01-30. Review status: criteria provided, single submitter. Criteria: GeneDx Variant Classification Process June 2021. Collection method: clinical testing. Allele origin: germline. Affected: yes.
Comment: Not observed at significant frequency in large population cohorts (gnomAD); In silico analysis supports that this missense variant has a deleterious effect on protein structure/function; Has not been previously published as pathogenic or benign to our knowledge